The following is an entry in ClinVar:

NM_000426.4(LAMA2):c.2132A>G (p.Tyr711Cys)

Gene: LAMA2 (laminin subunit alpha 2; plus strand). Cytogenetic location: 6q22.33.
Variant type: single nucleotide variant.
Coding change: c.2132A>G on transcript NM_000426.4 (MANE Select); coding-DNA position 2132, A replaced by G.
Protein change: p.Tyr711Cys; replaces tyrosine 711 with cysteine.
Molecular consequence: missense variant.
Genome position (GRCh38, 1-based): chr6:129,260,746, A>G. VCF-style: chr6-129260746-A-G. GRCh37 (hg19) VCF-style: chr6-129581891-A-G.
Other names: p.Tyr711Cys; c.2132A>G, p.Tyr711Cys (NM_001079823.2); short protein forms Y711C.
Identifiers: ClinVar variation 970496 (VCV000970496.19), dbSNP rs201122410, ClinGen allele CA3992838.

ClinVar aggregate classification (germline): Conflicting classifications of pathogenicity. Review status: criteria provided, conflicting classifications (1 of 4 stars). 4 submissions from 4 submitters: Uncertain significance (3); Likely benign (1). Last evaluated 2026-01-11.

Conditions:
LAMA2-related muscular dystrophy (LAMA2-RD). Also called: Laminin alpha 2-related dystrophy. Identifiers: MedGen C5679788, MONDO:0100228.

Allele frequency attached by ClinVar (database versions not stated): gnomAD 0.00012 and 0.00013; ExAC 0.00016; TOPMed 0.00017; gnomAD exomes 0.00018 and 0.00019; ESP Exome Variant Server 0.00023.
gnomAD v4.1: 294 of 1,612,592 alleles (0.018%); highest among the groups gnomAD compares: South Asian, 0.023%; 1 homozygote.

Submissions (4):

Labcorp Genetics (formerly Invitae), Labcorp
Classification: Likely benign for LAMA2-related muscular dystrophy. Last evaluated: 2026-01-11. Review status: criteria provided, single submitter. Criteria: Invitae Variant Classification Sherloc (09022015). Collection method: clinical testing. Allele origin: germline.

Revvity Omics, Revvity
Classification: Uncertain significance. Last evaluated: 2024-12-04. Review status: criteria provided, single submitter. Criteria: ACMG Guidelines, 2015. Collection method: clinical testing. Allele origin: germline.

GeneDx
Classification: Uncertain significance. Last evaluated: 2024-04-24. Review status: criteria provided, single submitter. Criteria: GeneDx Variant Classification Process June 2021. Collection method: clinical testing. Allele origin: germline.
Comment: In silico analysis supports that this missense variant does not alter protein structure/function; Has not been previously published as pathogenic or benign to our knowledge

Mayo Clinic Laboratories, Mayo Clinic
Classification: Uncertain significance. Last evaluated: 2022-10-05. Review status: criteria provided, single submitter. Criteria: ACMG Guidelines, 2015. Collection method: clinical testing. Allele origin: germline. Observed: 2 variant alleles.
Comment: BP4, PM2